The following is an entry in ClinVar:

ClinVar aggregate classification (germline): Uncertain significance. Review status: criteria provided, multiple submitters, no conflicts (2 of 4 stars). 3 submissions from 3 submitters: Uncertain significance (2). 1 of the submissions does not count toward it. Last evaluated 2026-07-07.

Conditions:
CDH23-related disorder. Also called: CDH23-related condition; CDH23-related disorders.
Autosomal recessive nonsyndromic hearing loss 12. Also called: DEAFNESS, AUTOSOMAL RECESSIVE 12. Identifiers: Orphanet 90636, MedGen C1832394, MONDO:0011067, OMIM 601386.

Allele frequency attached by ClinVar (database versions not stated): gnomAD 0.00001; gnomAD exomes 0.00001; ExAC 0.00002; TOPMed 0.00002.
gnomAD v4.1: 25 of 1,613,782 alleles (0.0015%); highest among the groups gnomAD compares: Admixed American, 0.005%; no homozygotes.

Submissions (3):

PreventionGenetics, part of Exact Sciences
Classification: Uncertain significance for CDH23-related condition. Last evaluated: 2026-07-07. Review status: criteria provided, single submitter. Criteria: ACMG Guidelines, 2015. Collection method: clinical testing. Allele origin: germline.
Comment: The CDH23 c.8248G>A variant is predicted to result in the amino acid substitution p.Val2750Met. This variant was previously reported in an individual with hearing loss; however, no second potentially causative variant was identified (Sheppard et al. 2018. PubMed ID: 29907799). This variant is reported in 0.0056% of alleles in individuals of East Asian descent in gnomAD. At this time, the clinical significance of this variant is uncertain due to the absence of conclusive functional and genetic evidence.

Labcorp Genetics (formerly Invitae), Labcorp
Classification: Uncertain significance. Last evaluated: 2022-09-01. Review status: criteria provided, single submitter. Criteria: Invitae Variant Classification Sherloc (09022015). Collection method: clinical testing. Allele origin: germline.
Comment: This sequence change replaces valine, which is neutral and non-polar, with methionine, which is neutral and non-polar, at codon 2750 of the CDH23 protein (p.Val2750Met). This variant is present in population databases (rs752930006, gnomAD 0.006%). This variant has not been reported in the literature in individuals affected with CDH23-related conditions. ClinVar contains an entry for this variant (Variation ID: 417955). Algorithms developed to predict the effect of missense changes on protein structure and function are either unavailable or do not agree on the potential impact of this missense change (SIFT: "Deleterious"; PolyPhen-2: "Not Available"; Align-GVGD: "Class C0"). In summary, the available evidence is currently insufficient to determine the role of this variant in disease. Therefore, it has been classified as a Variant of Uncertain Significance.

Division of Human Genetics, Children's Hospital of Philadelphia
Classification: Uncertain significance for Autosomal recessive nonsyndromic hearing loss 12. Last evaluated: 2016-04-13. Review status: no assertion criteria provided. Collection method: research. Allele origin: maternal. Affected: yes. Study: CSER-PediSeq. Not counted in ClinVar's aggregate classification.

NM_022124.6(CDH23):c.8248G>A (p.Val2750Met)

Gene: CDH23 (cadherin related 23; plus strand). Cytogenetic location: 10q22.1.
Variant type: single nucleotide variant.
Coding change: c.8248G>A on transcript NM_022124.6 (MANE Select); coding-DNA position 8248, G replaced by A.
Protein change: p.Val2750Met; replaces valine 2750 with methionine.
Molecular consequence: missense variant.
Genome position (GRCh38, 1-based): chr10:71,807,346, G>A. VCF-style: chr10-71807346-G-A. GRCh37 (hg19) VCF-style: chr10-73567103-G-A.
Other names: c.1528G>A, p.Val510Met (NM_001171933.1, NM_001171934.1); c.8248G>A (NM_022124.5); short protein forms V2750M, V510M.
Identifiers: ClinVar variation 417955 (VCV000417955.4), dbSNP rs752930006, ClinGen allele CA5546587.